The following is an entry in ClinVar:

ClinVar aggregate classification (germline): Uncertain significance (1 of 4 stars; one submission).

Conditions:
Recessive dystrophic epidermolysis bullosa (RDEB). Also called: Hallopeau-Siemens Disease; DYSTROPHIC EPIDERMOLYSIS BULLOSA, AUTOSOMAL RECESSIVE; EPIDERMOLYSIS BULLOSA DYSTROPHICA, HALLOPEAU-SIEMENS TYPE; EPIDERMOLYSIS BULLOSA DYSTROPHICA, GENERALIZED SEVERE, AUTOSOMAL RECESSIVE; epidermolysis bullosa dystrophica, autosomal recessive; Recessive DEB (RDEB). Identifiers: Orphanet 79408, Orphanet 79409, MedGen C0079474, MONDO:0009179, OMIM 226600.
Generalized dominant dystrophic epidermolysis bullosa (DDEB). Also called: DDEB, generalized; DDEB-gen; DYSTROPHIC EPIDERMOLYSIS BULLOSA, AUTOSOMAL DOMINANT; Epidermolysis bullosa dystrophica, autosomal dominant; Dominant DEB (DDEB). Identifiers: Orphanet 231568, MedGen C0432322, MONDO:0007549, OMIM 131750.

Submission:

Laboratorio de Genetica e Diagnostico Molecular, Hospital Israelita Albert Einstein
Classification: Uncertain significance for Generalized dominant dystrophic epidermolysis bullosa; Recessive dystrophic epidermolysis bullosa. Last evaluated: 2022-01-28. Review status: criteria provided, single submitter. Criteria: ACMG Guidelines, 2015. Collection method: clinical testing. Allele origin: germline. Affected: yes.
Comment: ACMG classification criteria: PM2 moderate, PM3 moderate

NM_000094.4(COL7A1):c.5077A>G (p.Lys1693Glu)

Gene: COL7A1 (collagen type VII alpha 1 chain; minus strand). Cytogenetic location: 3p21.31.
Variant type: single nucleotide variant.
Coding change: c.5077A>G on transcript NM_000094.4 (MANE Select); coding-DNA position 5077, A replaced by G.
Protein change: p.Lys1693Glu; replaces lysine 1693 with glutamic acid.
Molecular consequence: missense variant.
Genome position (GRCh38, 1-based): chr3:48,580,320, T>C on the plus strand (A>G on the coding strand, the complement: COL7A1 is on the minus strand). VCF-style: chr3-48580320-T-C. GRCh37 (hg19) VCF-style: chr3-48617753-T-C.
Other names: short protein forms K1693E.
Identifiers: ClinVar variation 1683683 (VCV001683683.2), dbSNP rs2107704760, ClinGen allele CA352678816.